The following is an entry in ClinVar:

ClinVar aggregate classification (germline): Conflicting classifications of pathogenicity. Review status: criteria provided, conflicting classifications (1 of 4 stars). 3 submissions from 3 submitters: Uncertain significance (2); Likely benign (1). Last evaluated 2023-03-23.

Conditions:
Hereditary breast ovarian cancer syndrome. Also called: Hereditary breast and ovarian cancer syndrome (HBOC); BRCA1- and BRCA2-Associated Hereditary Breast and Ovarian Cancer; Hereditary breast and ovarian cancer syndrome; Breast and ovarian cancer; Hereditary breast and ovarian cancer; Hereditary breast and/or ovarian cancer syndrome. Identifiers: Orphanet 145, MedGen C0677776, MeSH D061325, MONDO:0003582. Disease mechanism: loss of function.
Hereditary cancer-predisposing syndrome. Also called: Hereditary neoplastic syndrome; Neoplastic Syndromes, Hereditary; Tumor predisposition; Hereditary Cancer Syndrome. Identifiers: Orphanet 140162, MedGen C0027672, MeSH D009386, MONDO:0015356.

Allele frequency attached by ClinVar (database versions not stated): gnomAD 0.00001; TOPMed 0.00001.
gnomAD v4.1: 1 of 1,613,844 alleles (0.000062%); highest among the groups gnomAD compares: African/African-American, 0.0013%; no homozygotes.

Submissions (3):

University of Washington Department of Laboratory Medicine, University of Washington
Classification: Likely benign for Hereditary cancer-predisposing syndrome. Last evaluated: 2023-03-23. Review status: criteria provided, single submitter. Criteria: Dines et al. (Genet Med. 2020). Collection method: curation. Allele origin: germline.
Comment: Missense variant in a coldspot region where missense variants are very unlikely to be pathogenic (PMID:31911673).

BRCA2 exon 11 coldspot. Reclassification based on statistical prior probability.

Ambry Genetics
Classification: Uncertain significance for Hereditary cancer-predisposing syndrome. Last evaluated: 2021-11-15. Review status: criteria provided, single submitter. Criteria: Ambry Variant Classification Scheme 2023. Collection method: clinical testing. Allele origin: germline.
Comment: The p.S1597A variant (also known as c.4789T>G), located in coding exon 10 of the BRCA2 gene, results from a T to G substitution at nucleotide position 4789. The serine at codon 1597 is replaced by alanine, an amino acid with similar properties. This amino acid position is not well conserved in available vertebrate species. In addition, this alteration is predicted to be tolerated by in silico analysis. Since supporting evidence is limited at this time, the clinical significance of this alteration remains unclear.

Labcorp Genetics (formerly Invitae), Labcorp
Classification: Uncertain significance for Hereditary breast ovarian cancer syndrome. Last evaluated: 2017-09-27. Review status: criteria provided, single submitter. Criteria: Invitae Variant Classification Sherloc (09022015). Collection method: clinical testing. Allele origin: germline.
Comment: This sequence change replaces serine with alanine at codon 1597 of the BRCA2 protein (p.Ser1597Ala). The serine residue is weakly conserved and there is a moderate physicochemical difference between serine and alanine. This variant is not present in population databases (ExAC no frequency). This variant has not been reported in the literature in individuals with BRCA2-related disease. Algorithms developed to predict the effect of missense changes on protein structure and function (SIFT, PolyPhen-2, Align-GVGD) all suggest that this variant is likely to be tolerated, but these predictions have not been confirmed by published functional studies and their clinical significance is uncertain. In summary, the available evidence is currently insufficient to determine the role of this variant in disease. Therefore, it has been classified as a Variant of Uncertain Significance.

NM_000059.4(BRCA2):c.4789T>G (p.Ser1597Ala)

Gene: BRCA2 (BRCA2 DNA repair associated; plus strand). Cytogenetic location: 13q13.1.
Variant type: single nucleotide variant.
Coding change: c.4789T>G on transcript NM_000059.4 (MANE Select); coding-DNA position 4789, T replaced by G.
Protein change: p.Ser1597Ala; replaces serine 1597 with alanine.
Molecular consequence: missense variant.
Genome position (GRCh38, 1-based): chr13:32,339,144, T>G. VCF-style: chr13-32339144-T-G. GRCh37 (hg19) VCF-style: chr13-32913281-T-G.
Other names: short protein forms S1597A.
Identifiers: ClinVar variation 531422 (VCV000531422.12), dbSNP rs1555283935, ClinGen allele CA387783235.